The following is an entry in ClinVar:

NM_001127222.2(CACNA1A):c.5945G>A (p.Arg1982Gln)

Gene: CACNA1A (calcium voltage-gated channel subunit alpha1 A; minus strand). Cytogenetic location: 19p13.13.
Variant type: single nucleotide variant.
Coding change: c.5945G>A on transcript NM_001127222.2 (MANE Select); coding-DNA position 5945, G replaced by A.
Protein change: p.Arg1982Gln; replaces arginine 1982 with glutamine.
Molecular consequence: missense variant.
Genome position (GRCh38, 1-based): chr19:13,212,736, C>T on the plus strand (G>A on the coding strand, the complement: CACNA1A is on the minus strand). VCF-style: chr19-13212736-C-T. GRCh37 (hg19) VCF-style: chr19-13323550-C-T.
Other names: c.5963G>A, p.Arg1988Gln (NM_000068.4, NM_023035.3); c.5948G>A, p.Arg1983Gln (NM_001127221.2); c.5954G>A, p.Arg1985Gln (NM_001174080.2); short protein forms R1983Q, R1985Q, R1982Q, R1988Q.
Identifiers: ClinVar variation 373509 (VCV000373509.18), dbSNP rs745775887, ClinGen allele CA9239519.
Genomic context (GRCh38, chr19:13,212,736, plus strand): 5'-CCAGGTCCCCCTTCCTGCGTTGGGGACGGGGGCTCCATGCGCTGGAACATGAGGGGTGTC[C>T]GGTCCTGGGGAATGGGGCAGAGAGCAGTGTGTGGACAAGGGTGGGGTGGTGGGACGGTGG-3'
Protein context (NP_001120694.1, residues 1972-1992): KLQAMREEQD[Arg1982Gln]TPLMFQRMEP

ClinVar aggregate classification (germline): Conflicting classifications of pathogenicity. Review status: criteria provided, conflicting classifications (1 of 4 stars). 7 submissions from 7 submitters: Uncertain significance (6); Likely benign (1). Last evaluated 2025-12-09.

Conditions:
Migraine, familial hemiplegic, 1. Also called: MIGRAINE, FAMILIAL HEMIPLEGIC 1, WITH PROGRESSIVE CEREBELLAR ATAXIA. Identifiers: Orphanet 569, MedGen C1832884, MONDO:0020756, OMIM 141500, MONDO:0007714.
Developmental and epileptic encephalopathy, 42 (DEE42A). Also called: DEVELOPMENTAL AND EPILEPTIC ENCEPHALOPATHY 42A; EPILEPTIC ENCEPHALOPATHY, EARLY INFANTILE, 42A; Epileptic encephalopathy, early infantile, 42. Identifiers: MedGen C4310716, MONDO:0014917, OMIM 617106.
Episodic ataxia type 2 (EA2). Also called: ACETAZOLAMIDE-RESPONSIVE HEREDITARY PAROXYSMAL CEREBELLAR ATAXIA; ATAXIA, EPISODIC, WITH NYSTAGMUS; ATAXIA, FAMILIAL PAROXYSMAL; CEREBELLAR ATAXIA, PAROXYSMAL, ACETAZOLAMIDE-RESPONSIVE; CEREBELLOPATHY, HEREDITARY PAROXYSMAL; EPISODIC ATAXIA, NYSTAGMUS-ASSOCIATED. Identifiers: Orphanet 97, MedGen C1720416, MONDO:0007163, OMIM 108500.
Inborn genetic diseases. Identifiers: MedGen C0950123, MeSH D030342.

Allele frequency attached by ClinVar (database versions not stated): ExAC 0.00002; gnomAD exomes 0.00002; gnomAD 0.00004; TOPMed 0.00011.
gnomAD v4.1: 38 of 1,491,802 alleles (0.0025%); highest among the groups gnomAD compares: Admixed American, 0.0071%; no homozygotes.

Submissions (7):

Labcorp Genetics (formerly Invitae), Labcorp
Classification: Likely benign for Developmental and epileptic encephalopathy, 42; Episodic ataxia type 2. Last evaluated: 2025-12-09. Review status: criteria provided, single submitter. Criteria: Invitae Variant Classification Sherloc (09022015). Collection method: clinical testing. Allele origin: germline.

Women's Health and Genetics/Laboratory Corporation of America, LabCorp
Classification: Uncertain significance. Last evaluated: 2025-11-11. Review status: criteria provided, single submitter. Criteria: LabCorp Variant Classification Summary - May 2015. Collection method: clinical testing. Allele origin: germline.
Comment: Variant summary: CACNA1A c.5948G>A (p.Arg1983Gln) results in a conservative amino acid change in the encoded protein sequence. Algorithms developed to predict the effect of missense changes on protein structure and function are either unavailable or do not agree on the potential impact of this missense change. The variant allele was found at a frequency of 2e-05 in 151740 control chromosomes (gnomAD v2). The available data on variant occurrences in the general population are insufficient to allow any conclusion about variant significance. The variant was also found as 38 heterozygotes in the gnomAD v4 database. To our knowledge, no occurrence of c.5948G>A in individuals affected with CACNA1A-related conditions and no experimental evidence demonstrating its impact on protein function have been reported. ClinVar contains an entry for this variant (Variation ID: 373509). Based on the evidence outlined above, the variant was classified as VUS-possibly benign.

ARUP Laboratories, Molecular Genetics and Genomics, ARUP Laboratories
Classification: Uncertain significance. Last evaluated: 2025-01-22. Review status: criteria provided, single submitter. Criteria: ARUP Molecular Germline Variant Investigation Process 2024. Collection method: clinical testing. Allele origin: germline.

Ambry Genetics
Classification: Uncertain significance for Inborn genetic diseases. Last evaluated: 2022-04-13. Review status: criteria provided, single submitter. Criteria: Ambry Variant Classification Scheme 2023. Collection method: clinical testing. Allele origin: germline.

New York Genome Center
Classification: Uncertain significance for Developmental and epileptic encephalopathy, 42; Migraine, familial hemiplegic, 1. Last evaluated: 2021-09-26. Review status: criteria provided, single submitter. Criteria: NYGC Assertion Criteria 2020. Collection method: clinical testing. Allele origin: germline. Observed: 1 heterozygote. Study: CSER-NYCKidSeq.

Eurofins Ntd Llc (ga)
Classification: Uncertain significance. Last evaluated: 2017-06-21. Review status: criteria provided, single submitter. Criteria: EGL Classification Definitions 2015. Collection method: clinical testing. Allele origin: germline. Observed: 1 variant allele, 1 heterozygote.

GeneDx
Classification: Uncertain significance. Last evaluated: 2016-11-28. Review status: criteria provided, single submitter. Criteria: GeneDx Variant Classification (06012015). Collection method: clinical testing. Allele origin: germline. Affected: yes.
Comment: A variant of uncertain significance has been identified in the CACNA1A gene. The R1983Q variant has not been published as a pathogenic variant, nor has it been reported as a benign variant to our knowledge. The R1983Q variant is not observed at a significant frequency in large population cohorts (Lek et al., 2016; 1000 Genomes Consortium et al., 2015; Exome Variant Server). The R1983Q variant is a semi-conservative amino acid substitution, which may impact secondary protein structure as these residues differ in some properties. This substitution occurs at a position that is conserved across species. However, in silico analysis is inconsistent in its predictions as to whether or not the variant is damaging to the protein structure/function. Therefore, based on the currently available information, it is unclear whether this variant is a pathogenic variant or a rare benign variant.